The following is an entry in ClinVar:

NC_000009.11:g.(?_21333005)_(22160087_?)dup

Genes: IFNA6 (interferon alpha 6; minus strand), IFNA8 (interferon alpha 8; plus strand), IFNE (interferon epsilon; minus strand), KLHL9 (kelch like family member 9; minus strand), MIR31 (microRNA 31; minus strand) and 7 more. Cytogenetic location: 9p21.3.
Variant type: Duplication.
Identifiers: ClinVar variation 3245365 (VCV003245365.1).

ClinVar aggregate classification (germline): Uncertain significance (1 of 4 stars; one submission).

Submission:

Labcorp Genetics (formerly Invitae), Labcorp
Classification: Uncertain significance. Last evaluated: 2023-05-23. Review status: criteria provided, single submitter. Criteria: Invitae Variant Classification Sherloc (09022015). Collection method: clinical testing. Allele origin: unknown.
Comment: In summary, the available evidence is currently insufficient to determine the role of this variant in disease. Therefore, it has been classified as a Variant of Uncertain Significance. This variant has not been reported in the literature in individuals affected with KLHL9-related conditions. A copy number gain of the genomic region encompassing the full coding sequence of the KLHL9 gene has been identified. The boundaries of this event are unknown as they extend beyond the assayed region for this gene and therefore may encompass additional genes. As the precise location of this event is unknown, it may be in tandem or it may be located elsewhere in the genome.